The following is an entry in ClinVar:

ClinVar aggregate classification (germline): Likely benign (0 of 4 stars; one submission).

Conditions:
COL11A1-related disorder. Also called: COL11A1-related disorders; COL11A1-related condition.

Submission:

PreventionGenetics, part of Exact Sciences
Classification: Likely benign for COL11A1-related condition. Last evaluated: 2020-06-25. Review status: no assertion criteria provided. Collection method: clinical testing. Allele origin: germline.
Comment: This variant is classified as likely benign based on ACMG/AMP sequence variant interpretation guidelines (Richards et al. 2015 PMID: 25741868, with internal and published modifications).

NM_001854.4(COL11A1):c.4249-3T>C

Gene: COL11A1 (collagen type XI alpha 1 chain; minus strand). Cytogenetic location: 1p21.1.
Variant type: single nucleotide variant.
Coding change: c.4249-3T>C on transcript NM_001854.4 (MANE Select); 3 bases into the intron before coding-DNA position 4249, T replaced by C.
Molecular consequence: intron variant.
Genome position (GRCh38, 1-based): chr1:102,898,181, A>G on the plus strand (T>C on the coding strand, the complement: COL11A1 is on the minus strand). VCF-style: chr1-102898181-A-G. GRCh37 (hg19) VCF-style: chr1-103363737-A-G.
Other names: c.4132-3T>C (NM_001190709.2); c.4285-3T>C (NM_080629.3); c.3901-3T>C (NM_080630.4).
Identifiers: ClinVar variation 3051089 (VCV003051089.2), dbSNP rs2524328951, ClinGen allele CA2646801190.
Genomic context (GRCh38, chr1:102,898,181, plus strand): 5'-TCACCATAGGACCAGGTGGTCCATCTTGGCCTGCAGCTCCAGGGAGACCTTGTTCTCCCT[A>G]GAGAAAATAAAAATGATTGATTTTTAAAATTAATAAAATAATACATATTTATTTATTTAT-3'